The following is an entry in ClinVar:

ClinVar aggregate classification (germline): Uncertain significance. Review status: criteria provided, multiple submitters, no conflicts (2 of 4 stars). 2 submissions from 2 submitters: Uncertain significance (2). Last evaluated 2022-11-03.

Conditions:
Inborn genetic diseases. Identifiers: MedGen C0950123, MeSH D030342.
Congenital insensitivity to pain-hypohidrosis syndrome. Also called: Neuropathy, hereditary sensory and autonomic, type VIII; HSAN VIII. Identifiers: Orphanet 478664, MedGen C4225308, MONDO:0014662, OMIM 616488.

Allele frequency attached by ClinVar (database versions not stated): gnomAD 0.00001; gnomAD exomes 0.00002; TOPMed 0.00003.
gnomAD v4.1: 27 of 1,614,108 alleles (0.0017%); highest among the groups gnomAD compares: Middle Eastern, 0.033%; no homozygotes.

Submissions (2):

Ambry Genetics
Classification: Uncertain significance for Inborn genetic diseases. Last evaluated: 2022-11-03. Review status: criteria provided, single submitter. Criteria: Ambry Variant Classification Scheme 2023. Collection method: clinical testing. Allele origin: germline.

Labcorp Genetics (formerly Invitae), Labcorp
Classification: Uncertain significance for Congenital insensitivity to pain-hypohidrosis syndrome. Last evaluated: 2022-01-01. Review status: criteria provided, single submitter. Criteria: Invitae Variant Classification Sherloc (09022015). Collection method: clinical testing. Allele origin: germline.
Comment: This sequence change replaces arginine, which is basic and polar, with cysteine, which is neutral and slightly polar, at codon 147 of the PRDM12 protein (p.Arg147Cys). This variant is present in population databases (no rsID available, gnomAD 0.006%). This variant has not been reported in the literature in individuals affected with PRDM12-related conditions. Algorithms developed to predict the effect of missense changes on protein structure and function are either unavailable or do not agree on the potential impact of this missense change (SIFT: "Deleterious"; PolyPhen-2: "Possibly Damaging"; Align-GVGD: "Class C0"). In summary, the available evidence is currently insufficient to determine the role of this variant in disease. Therefore, it has been classified as a Variant of Uncertain Significance.

NM_021619.3(PRDM12):c.439C>T (p.Arg147Cys)

Gene: PRDM12 (PR/SET domain 12; plus strand). Cytogenetic location: 9q34.12.
Variant type: single nucleotide variant.
Coding change: c.439C>T on transcript NM_021619.3 (MANE Select); coding-DNA position 439, C replaced by T.
Protein change: p.Arg147Cys; replaces arginine 147 with cysteine.
Molecular consequence: missense variant.
Genome position (GRCh38, 1-based): chr9:130,668,182, C>T. VCF-style: chr9-130668182-C-T. GRCh37 (hg19) VCF-style: chr9-133543569-C-T.
Other names: short protein forms R147C.
Identifiers: ClinVar variation 2071798 (VCV002071798.2), dbSNP rs965981905, ClinGen allele CA200650067.
Genomic context (GRCh38, chr9:130,668,182, plus strand): 5'-CCTGCCTTACCTGGTCCTTGATCCATCTGTGCCCAGGTGTTCAATGAGGATGGCACGGTG[C>T]GCTACTTCATCGATGCCAGCCAGGAGGACCACCGGAGCTGGATGACCTACATCAAGTGTG-3'
Protein context (NP_067632.2, residues 137-157): WEVFNEDGTV[Arg147Cys]YFIDASQEDH